The following is an entry in ClinVar:

NM_002608.4(PDGFB):c.29C>T (p.Ser10Phe)

Gene: PDGFB (platelet derived growth factor subunit B; minus strand). Cytogenetic location: 22q13.1.
Variant type: single nucleotide variant.
Coding change: c.29C>T on transcript NM_002608.4 (MANE Select); coding-DNA position 29, C replaced by T.
Protein change: p.Ser10Phe; replaces serine 10 with phenylalanine.
Molecular consequence: missense variant.
Genome position (GRCh38, 1-based): chr22:39,243,935, G>A on the plus strand (C>T on the coding strand, the complement: PDGFB is on the minus strand). VCF-style: chr22-39243935-G-A. GRCh37 (hg19) VCF-style: chr22-39639940-G-A.
Other names: short protein forms S10F.
Identifiers: ClinVar variation 2788081 (VCV002788081.3), dbSNP rs200943853, ClinGen allele CA411604451.

ClinVar aggregate classification (germline): Uncertain significance (1 of 4 stars; one submission).

gnomAD v4.1: 1 of 1,600,112 alleles (0.000062%); highest among the groups gnomAD compares: East Asian, 0.0023%; no homozygotes.

Submission:

Labcorp Genetics (formerly Invitae), Labcorp
Classification: Uncertain significance. Last evaluated: 2023-03-26. Review status: criteria provided, single submitter. Criteria: Invitae Variant Classification Sherloc (09022015). Collection method: clinical testing. Allele origin: germline.
Comment: In summary, the available evidence is currently insufficient to determine the role of this variant in disease. Therefore, it has been classified as a Variant of Uncertain Significance. This variant is not present in population databases (gnomAD no frequency). This variant has not been reported in the literature in individuals affected with PDGFB-related conditions. An algorithm developed to predict the effect of missense changes on protein structure and function (PolyPhen-2) suggests that this variant is likely to be tolerated. This sequence change replaces serine, which is neutral and polar, with phenylalanine, which is neutral and non-polar, at codon 10 of the PDGFB protein (p.Ser10Phe).